The following is an entry in ClinVar:

NM_024426.6(WT1):c.69_70del (p.Arg24fs)

Genes: WT1 (WT1 transcription factor; minus strand), LOC107982234 (WT1/WT1-AS bi-directional promoter region; plus strand). Cytogenetic location: 11p13.
Variant type: Deletion.
Coding change: c.69_70del on transcript NM_024426.6 (MANE Select); coding-DNA positions 69 to 70, 2 bases deleted (CC; older notation c.69_70delCC).
Protein change: p.Arg24fs; shifts the reading frame from arginine 24.
Molecular consequence: frameshift variant. On other transcripts: non-coding transcript variant (2).
Genome position (GRCh38, 1-based): chr11:32,435,291-32,435,292, GG deleted on the plus strand (CC on the coding strand, the reverse complement: WT1 is on the minus strand). VCF-style (leftmost placement, unchanged base first): chr11-32435290-CGG-C. GRCh37 (hg19) VCF-style: chr11-32456836-CGG-C.
Other names: c.69_70del, p.Arg24fs (NM_000378.6, NM_001407044.1, NM_001407045.1 and 6 more transcripts); c.-151_-150delCC (NM_001429031.1, NM_001429032.1, NM_001429033.1 and 1 more transcripts); c.54_55delCC, p.Arg19Leufs (NM_024425.2); short protein forms R24fs.
Identifiers: ClinVar variation 3075561 (VCV003075561.1), dbSNP rs2494489445, ClinGen allele CA2825001879.

ClinVar aggregate classification (germline): Uncertain significance (1 of 4 stars; one submission).

Conditions:
Wilms tumor 1 (WT1). Also called: Wilms tumor, somatic. Identifiers: Orphanet 654, MedGen CN033288, MONDO:0008679, OMIM 194070.

Submission:

All of Us Research Program, National Institutes of Health
Classification: Uncertain significance for Wilms tumor 1. Last evaluated: 2023-04-03. Review status: criteria provided, single submitter. Criteria: ACMG Guidelines, 2015. Collection method: clinical testing. Allele origin: germline. Inheritance: Autosomal dominant inheritance. Observed: 1 variant allele, 1 heterozygote.
Comment: This variant deletes 2 basepairs in exon 1 of the WT1 gene, and it is predicted to cause a frameshift at codon 19 and create a premature termination codon in exon 1 which may trigger nonsense-mediated decay. However, the WT1 gene has a protein isoform with translation initiation at p.Met69 that retains the functional domains for the WT protein (PMID: 2154335, 2154702). Therefore, the severity of the impact from this frameshift variant is unknown. This variant is also known as c.69_70 del (p.Arg24Leufs*32) based the reference transcripts, ENST00000452863 and NM_024426.6. To our knowledge, this variant has not been reported in individuals affected with hereditary cancer in the literature. This variant has not been identified in the general population by the Genome Aggregation Database (gnomAD). The available evidence is insufficient to determine the role of this variant in disease conclusively. Therefore, this variant is classified as a Variant of Uncertain Significance.

This study involves interpretation of variants in research participants for the purpose of population health screening. Participant phenotype was not available at the time of variant classification. Additional details can be found in publication PMID: 35346344, PMCID: PMC8962531

Literature cited by the submitters: PubMed 2154335; PubMed 2154702.